The following is an entry in ClinVar:

NM_000038.6(APC):c.6682A>G (p.Arg2228Gly)

Gene: APC (APC regulator of Wnt signaling pathway; plus strand). Cytogenetic location: 5q22.2.
Variant type: single nucleotide variant.
Coding change: c.6682A>G on transcript NM_000038.6 (MANE Select); coding-DNA position 6682, A replaced by G.
Protein change: p.Arg2228Gly; replaces arginine 2228 with glycine.
Molecular consequence: missense variant.
Genome position (GRCh38, 1-based): chr5:112,842,276, A>G. VCF-style: chr5-112842276-A-G. GRCh37 (hg19) VCF-style: chr5-112177973-A-G.
Other names: c.6607A>G, p.Arg2203Gly (NM_001354898.2); c.6598A>G, p.Arg2200Gly (NM_001354899.2); c.6559A>G, p.Arg2187Gly (NM_001354900.2); c.6505A>G, p.Arg2169Gly (NM_001354901.2); c.6409A>G, p.Arg2137Gly (NM_001354902.2); c.6379A>G, p.Arg2127Gly (NM_001354903.2); c.6304A>G, p.Arg2102Gly (NM_001354904.2); c.6202A>G, p.Arg2068Gly (NM_001354905.2); and 5 more; short protein forms R2210G, R2228G, R2137G, R2169G, R2187G, R2203G, R2102G, R2127G.
Identifiers: ClinVar variation 411434 (VCV000411434.39), dbSNP rs199648202, ClinGen allele CA16035939.

ClinVar aggregate classification (germline): Conflicting classifications of pathogenicity. Review status: criteria provided, conflicting classifications (1 of 4 stars). 11 submissions from 11 submitters: Uncertain significance (5); Likely benign (3). 3 of the submissions do not count toward it. Last evaluated 2026-02-11.

Conditions:
Hereditary cancer-predisposing syndrome. Also called: Tumor predisposition; Hereditary Cancer Syndrome; Hereditary neoplastic syndrome; Neoplastic Syndromes, Hereditary. Identifiers: Orphanet 140162, MedGen C0027672, MeSH D009386, MONDO:0015356.
Familial adenomatous polyposis 1 (FAP1). Also called: FAMILIAL ADENOMATOUS POLYPOSIS 1, ATTENUATED; POLYPOSIS, ADENOMATOUS INTESTINAL. Identifiers: MedGen C2713442, MONDO:0021056, OMIM 175100. Disease mechanism: loss of function.
Classic or attenuated familial adenomatous polyposis. Identifiers: MedGen CN372698, MONDO:0021057.

Allele frequency attached by ClinVar (database versions not stated): gnomAD exomes 0.00001 and 0.00002; gnomAD 0.00003 and 0.00004; TOPMed 0.00003.
gnomAD v4.1: 20 of 1,613,948 alleles (0.0012%); highest among the groups gnomAD compares: Non-Finnish European, 0.0017%; no homozygotes.

Submissions (11):

St. Jude Molecular Pathology, St. Jude Children's Research Hospital
Classification: Uncertain significance for Familial adenomatous polyposis 1. Last evaluated: 2026-02-11. Review status: criteria provided, single submitter. Criteria: St. Jude Assertion Criteria 2020. Collection method: clinical testing. Allele origin: germline.
Comment: The APC c. c.6682A>G p.(Arg2228Gly) missense change has a maximum subpopulation frequency of 0.006% in gnomAD v2.1.1. The in silico tool REVEL predicts a deleterious effect on protein function, but to our knowledge this prediction has not been confirmed by functional studies. To our knowledge, this variant has not been reported in the literature in individuals with APC-related disease. In summary, the evidence currently available is insufficient to determine the clinical significance of this variant. It has therefore been classified as of uncertain significance.

Labcorp Genetics (formerly Invitae), Labcorp
Classification: Uncertain significance for Familial adenomatous polyposis 1. Last evaluated: 2026-01-11. Review status: criteria provided, single submitter. Criteria: Invitae Variant Classification Sherloc (09022015). Collection method: clinical testing. Allele origin: germline.
Comment: This sequence change replaces arginine, which is basic and polar, with glycine, which is neutral and non-polar, at codon 2228 of the APC protein (p.Arg2228Gly). This variant is present in population databases (rs199648202, gnomAD 0.006%). This variant has not been reported in the literature in individuals affected with APC-related conditions. ClinVar contains an entry for this variant (Variation ID: 411434). Invitae Evidence Modeling of protein sequence and biophysical properties (such as structural, functional, and spatial information, amino acid conservation, physicochemical variation, residue mobility, and thermodynamic stability) indicates that this missense variant is not expected to disrupt APC protein function with a negative predictive value of 95%. In summary, the available evidence is currently insufficient to determine the role of this variant in disease. Therefore, it has been classified as a Variant of Uncertain Significance.

Color Diagnostics, LLC DBA Color Health
Classification: Likely benign for Hereditary cancer-predisposing syndrome. Last evaluated: 2025-11-19. Review status: criteria provided, single submitter. Criteria: ACMG Guidelines, 2015. Collection method: clinical testing. Allele origin: germline.

GeneDx
Classification: Uncertain significance. Last evaluated: 2025-04-01. Review status: criteria provided, single submitter. Criteria: GeneDx Variant Classification Process June 2021. Collection method: clinical testing. Allele origin: germline. Affected: yes.
Comment: In silico analysis supports that this missense variant has a deleterious effect on protein structure/function; Has not been previously published as pathogenic or benign to our knowledge; This variant is associated with the following publications: (PMID: 18199528)

Center for Genomic Medicine, Rigshospitalet, Copenhagen University Hospital
Classification: Likely benign. Last evaluated: 2025-03-04. Review status: criteria provided, single submitter. Criteria: ACMG Guidelines, 2015. Collection method: clinical testing. Allele origin: germline.

All of Us Research Program, National Institutes of Health
Classification: Uncertain significance for Classic or attenuated familial adenomatous polyposis. Last evaluated: 2024-08-19. Review status: criteria provided, single submitter. Criteria: ACMG Guidelines, 2015. Collection method: clinical testing. Allele origin: germline. Inheritance: Autosomal dominant inheritance. Observed: 5 variant alleles, 5 heterozygotes.
Comment: This missense variant replaces arginine with glycine at codon 2228 of the APC protein. Computational prediction suggests that this variant may have deleterious impact on protein structure and function (internally defined REVEL score threshold >= 0.7, PMID: 27666373). Splice site prediction tools suggest that this variant may not impact RNA splicing. To our knowledge, functional studies have not been performed for this variant. This variant has not been reported in individuals affected with hereditary cancer in the literature. This variant has been identified in 8/281558 chromosomes in the general population by the Genome Aggregation Database (gnomAD). The available evidence is insufficient to determine the role of this variant in disease conclusively. Therefore, this variant is classified as a Variant of Uncertain Significance.

This study involves interpretation of variants in research participants for the purpose of population health screening. Participant phenotype was not available at the time of variant classification. Additional details can be found in publication PMID: 35346344, PMCID: PMC8962531

Sema4
Classification: Uncertain significance for Hereditary cancer-predisposing syndrome. Last evaluated: 2021-10-31. Review status: criteria provided, single submitter. Criteria: Sema4 Curation Guidelines. Collection method: curation. Allele origin: germline.
Comment: To the best of our knowledge, the APC c.6682A>G (p.R2228G) variant has not been reported in individuals with APC-related disease. It was observed in 8/128612 chromosomes of the Non-Finnish European subpopulation in the large and broad cohorts of the Genome Aggregation Database (PMID: 32461654). The variant has been reported in ClinVar (Variation ID 411434). In silico tools suggest the impact of the variant on protein function is deleterious, though these predictions have not been confirmed by functional studies. The evidence is insufficient to meet ACMG/AMP criteria for classifying the variant as benign or pathogenic. Thus, the clinical significance of this variant is currently uncertain.

Ambry Genetics
Classification: Likely benign for Hereditary cancer-predisposing syndrome. Last evaluated: 2021-08-13. Review status: criteria provided, single submitter. Criteria: Ambry Variant Classification Scheme 2023. Collection method: clinical testing. Allele origin: germline.

Clinical Genetics, Academic Medical Center
Classification: Likely benign. Review status: no assertion criteria provided. Collection method: clinical testing. Allele origin: germline. Affected: yes. Study: VKGL Data-share Consensus. Not counted in ClinVar's aggregate classification.

Genome Diagnostics Laboratory, Amsterdam University Medical Center
Classification: Likely benign. Review status: no assertion criteria provided. Collection method: clinical testing. Allele origin: germline. Affected: yes. Study: VKGL Data-share Consensus. Not counted in ClinVar's aggregate classification.

Joint Genome Diagnostic Labs from Nijmegen and Maastricht, Radboudumc and MUMC+
Classification: Likely benign. Review status: no assertion criteria provided. Collection method: clinical testing. Allele origin: germline. Affected: yes. Study: VKGL Data-share Consensus. Not counted in ClinVar's aggregate classification.